The following is an entry in ClinVar:

ClinVar aggregate classification (germline): Uncertain significance. Review status: criteria provided, multiple submitters, no conflicts (2 of 4 stars). 2 submissions from 2 submitters: Uncertain significance (2). Last evaluated 2025-03-07.

Conditions:
Microcephaly, normal intelligence and immunodeficiency (NBS). Also called: BERLIN BREAKAGE SYNDROME; Immunodeficiency, microcephaly with normal intelligence; Nijmegen breakage syndrome; Microcephaly with normal intelligence immunodeficiency and lymphoreticular malignancies; Nonsyndromal microcephaly autosomal recessive with normal intelligence; Seemanova syndrome 2. Identifiers: Orphanet 647, MedGen C0398791, MONDO:0009623, OMIM 251260.
Hereditary cancer-predisposing syndrome. Also called: Neoplastic Syndromes, Hereditary; Hereditary Cancer Syndrome; Tumor predisposition; Hereditary neoplastic syndrome. Identifiers: Orphanet 140162, MedGen C0027672, MeSH D009386, MONDO:0015356.

Submissions (2):

Ambry Genetics
Classification: Uncertain significance for Hereditary cancer-predisposing syndrome. Last evaluated: 2025-03-07. Review status: criteria provided, single submitter. Criteria: Ambry Variant Classification Scheme 2023. Collection method: clinical testing. Allele origin: germline.
Comment: The p.T178A variant (also known as c.532A>G), located in coding exon 5 of the NBN gene, results from an A to G substitution at nucleotide position 532. The threonine at codon 178 is replaced by alanine, an amino acid with similar properties. This amino acid position is conserved. In addition, this alteration is predicted to be tolerated by in silico analysis. Based on the available evidence, the clinical significance of this variant remains unclear.

Labcorp Genetics (formerly Invitae), Labcorp
Classification: Uncertain significance for Microcephaly, normal intelligence and immunodeficiency. Last evaluated: 2021-02-20. Review status: criteria provided, single submitter. Criteria: Invitae Variant Classification Sherloc (09022015). Collection method: clinical testing. Allele origin: germline.
Comment: This sequence change replaces threonine with alanine at codon 178 of the NBN protein (p.Thr178Ala). The threonine residue is weakly conserved and there is a small physicochemical difference between threonine and alanine. This variant is not present in population databases (ExAC no frequency). This variant has not been reported in the literature in individuals with NBN-related conditions. Algorithms developed to predict the effect of missense changes on protein structure and function output the following: SIFT: "Tolerated"; PolyPhen-2: "Benign"; Align-GVGD: "Class C0". The alanine amino acid residue is found in multiple mammalian species, suggesting that this missense change does not adversely affect protein function. These predictions have not been confirmed by published functional studies and their clinical significance is uncertain. In summary, the available evidence is currently insufficient to determine the role of this variant in disease. Therefore, it has been classified as a Variant of Uncertain Significance.

NM_002485.5(NBN):c.532A>G (p.Thr178Ala)

Gene: NBN (nibrin; minus strand). Cytogenetic location: 8q21.3.
Variant type: single nucleotide variant.
Coding change: c.532A>G on transcript NM_002485.5 (MANE Select); coding-DNA position 532, A replaced by G.
Protein change: p.Thr178Ala; replaces threonine 178 with alanine.
Molecular consequence: missense variant.
Genome position (GRCh38, 1-based): chr8:89,978,272, T>C on the plus strand (A>G on the coding strand, the complement: NBN is on the minus strand). VCF-style: chr8-89978272-T-C. GRCh37 (hg19) VCF-style: chr8-90990500-T-C.
Other names: c.532A>G (NM_002485.4); c.286A>G, p.Thr96Ala (NM_001024688.3); short protein forms T96A, T178A.
Identifiers: ClinVar variation 1465483 (VCV001465483.9), dbSNP rs2129889032, ClinGen allele CA371660289.